The following is an entry in ClinVar:

ClinVar aggregate classification (germline): Benign/Likely benign. Review status: criteria provided, multiple submitters, no conflicts (2 of 4 stars). 6 submissions from 6 submitters: Benign (3); Likely benign (3). Last evaluated 2026-09-29.

Conditions:
NF1-related disorder. Also called: NF1-related condition. Identifiers: MedGen CN379171.
Hereditary cancer-predisposing syndrome. Also called: Neoplastic Syndromes, Hereditary; Tumor predisposition; Hereditary Cancer Syndrome; Hereditary neoplastic syndrome. Identifiers: Orphanet 140162, MedGen C0027672, MeSH D009386, MONDO:0015356.
Neurofibromatosis, type 1 (NF1). Also called: VON RECKLINGHAUSEN DISEASE; NEUROFIBROMATOSIS, TYPE I, SOMATIC; Peripheral type neurofibromatosis; Neurofibromatosis, type I. Identifiers: Orphanet 636, MedGen C0027831, MONDO:0018975, OMIM 162200. Disease mechanism: loss of function.

Allele frequency attached by ClinVar (database versions not stated): gnomAD exomes below 0.00001; TOPMed 0.00001.
gnomAD v4.1: 2 of 1,614,032 alleles (0.00012%); highest among the groups gnomAD compares: Non-Finnish European, 0.00017%; no homozygotes.

Submissions (6):

Myriad Genetics, Inc.
Classification: Benign for Neurofibromatosis, type 1. Last evaluated: 2026-09-29. Review status: criteria provided, single submitter. Criteria: Myriad Autosomal Dominant, Autosomal Recessive and X-Linked Classification Criteria (2023). Collection method: clinical testing. Allele origin: unknown.
Comment: This variant is considered benign. This variant is a silent/synonymous amino acid change and it is not expected to impact splicing.

Labcorp Genetics (formerly Invitae), Labcorp
Classification: Benign for Neurofibromatosis, type 1. Last evaluated: 2025-11-18. Review status: criteria provided, single submitter. Criteria: Invitae Variant Classification Sherloc (09022015). Collection method: clinical testing. Allele origin: germline.

Mayo Clinic Laboratories, Mayo Clinic
Classification: Likely benign. Last evaluated: 2025-07-14. Review status: criteria provided, single submitter. Criteria: ACMG Guidelines, 2015. Collection method: clinical testing. Allele origin: germline. Observed: 1 variant allele.
Comment: BP4, BP7

PreventionGenetics, part of Exact Sciences
Classification: Likely benign for NF1-related condition. Last evaluated: 2025-04-28. Review status: criteria provided, single submitter. Criteria: ACMG Guidelines, 2015. Collection method: clinical testing. Allele origin: germline.
Comment: This variant is classified as likely benign based on ACMG/AMP sequence variant interpretation guidelines (Richards et al. 2015 PMID: 25741868, with internal and published modifications).

Genome-Nilou Lab
Classification: Benign for Neurofibromatosis, type 1. Last evaluated: 2022-03-15. Review status: criteria provided, single submitter. Criteria: ACMG Guidelines, 2015. Collection method: clinical testing. Allele origin: germline. Affected: no.

Ambry Genetics
Classification: Likely benign for Hereditary cancer-predisposing syndrome. Last evaluated: 2015-07-22. Review status: criteria provided, single submitter. Criteria: Ambry Autosomal Dominant and X-Linked criteria (10/2015). Collection method: clinical testing. Allele origin: germline. Observed: 1 variant allele.

NM_001042492.3(NF1):c.321G>A (p.Thr107=)

Gene: NF1 (neurofibromin 1; plus strand). Cytogenetic location: 17q11.2.
Variant type: single nucleotide variant.
Coding change: c.321G>A on transcript NM_001042492.3 (MANE Select); coding-DNA position 321, G replaced by A.
Protein change: p.Thr107=; no amino-acid change (threonine 107 retained).
Molecular consequence: synonymous variant.
Genome position (GRCh38, 1-based): chr17:31,163,218, G>A. VCF-style: chr17-31163218-G-A. GRCh37 (hg19) VCF-style: chr17-29490236-G-A.
Other names: p.Thr107=; c.321G>A, p.Thr107= (NM_000267.4, NM_001128147.3).
Identifiers: ClinVar variation 184845 (VCV000184845.16), dbSNP rs786201731, ClinGen allele CA190218.